The following is an entry in ClinVar:

NM_000277.3(PAH):c.223G>C (p.Asp75His)

Gene: PAH (phenylalanine hydroxylase; minus strand). Cytogenetic location: 12q23.2.
Variant type: single nucleotide variant.
Coding change: c.223G>C on transcript NM_000277.3 (MANE Select); coding-DNA position 223, G replaced by C.
Protein change: p.Asp75His; replaces aspartic acid 75 with histidine.
Molecular consequence: missense variant.
Genome position (GRCh38, 1-based): chr12:102,894,864, C>G on the plus strand (G>C on the coding strand, the complement: PAH is on the minus strand). VCF-style: chr12-102894864-C-G. GRCh37 (hg19) VCF-style: chr12-103288642-C-G.
Other names: c.223G>C, p.Asp75His (NM_001354304.2); short protein forms D75H.
Identifiers: ClinVar variation 987769 (VCV000987769.7), dbSNP rs767453024, ClinGen allele CA386304179.
Genomic context (GRCh38, chr12:102,894,864, plus strand): 5'-TGATGTTTGTCAGAGCAGGCAGGCTACGTTTATCCAAATGGGTGAAAAATTCATACTCAT[C>G]TTTCTTTAAACGAGAAGGTCTAGATTCAATGTGGGTCAGGTTTACATCATTCTCCTAGAA-3'
Protein context (NP_000268.1, residues 65-85): IESRPSRLKK[Asp75His]EYEFFTHLDK

ClinVar aggregate classification (germline): Likely pathogenic. Review status: reviewed by expert panel (3 of 4 stars). 4 submissions from 3 submitters: Likely pathogenic (1). 3 of the submissions do not count toward it. Last evaluated 2020-10-16.

Conditions:
Propionic acidemia (PROP). Also called: GLYCINEMIA, KETOTIC; HYPERGLYCINEMIA WITH KETOACIDOSIS AND LEUKOPENIA; KETOTIC HYPERGLYCINEMIA. Identifiers: Orphanet 35, MedGen C0268579, MONDO:0011628, OMIM 606054, HP:0003571.
Phenylketonuria (PKU). Also called: OLIGOPHRENIA PHENYLPYRUVICA; Phenylketonuria (PKU); Phenylketonurias; FOLLING DISEASE. Identifiers: Orphanet 716, MedGen C0031485, MONDO:0009861, OMIM 261600. Disease mechanism: loss of function.
6-Pyruvoyl-tetrahydrobiopterin synthase deficiency. Also called: 6-Pyruvoyltetrahydropterin Synthase Deficiency; PTS DEFICIENCY; HYPERPHENYLALANINEMIA, TETRAHYDROBIOPTERIN-DEFICIENT, DUE TO PTS DEFICIENCY; Hyperphenylalanemia, BH4-deficient, A; Hyperphenylalaninemia due to 6-pyruvoyl-tetrahydropterin synthase deficiency; BH4-deficient hyperphenylalaninemia A. Identifiers: Orphanet 13, Orphanet 238583, MedGen C0878676, MONDO:0009863, OMIM 261640.

Submissions (4):

ClinGen PAH Variant Curation Expert Panel
Classification: Likely pathogenic for Phenylketonuria. Last evaluated: 2020-10-16. Review status: reviewed by expert panel. Criteria: ClinGen PAH ACMG Specifications v1. Collection method: curation. Allele origin: germline. Inheritance: Autosomal recessive inheritance.
Comment: This c.223G>C (p.Asp75His) variant in PAH was reported in 2 patients with PAH deficiency (PMID: 29499199, 28982351) detected with the pathogenic variant p.Val399= (PMID: 28982351). DHPR activity, biopterin and/or pteridine analysis was performed to rule out other causes of hyperphenylalaninemia (PMID: 29499199). This variant is absent in population databases. In summary, this variant meets criteria to be classified as likely pathogenic for PAH. PAH-specific ACMG/AMP criteria applied: PM2, PP4_moderate, PM3.

Women's Health and Genetics/Laboratory Corporation of America, LabCorp
Classification: Likely pathogenic for 6-Pyruvoyl-tetrahydrobiopterin synthase deficiency. Last evaluated: 2024-03-15. Review status: criteria provided, single submitter. Criteria: LabCorp Variant Classification Summary - May 2015. Collection method: clinical testing. Allele origin: germline. Not counted in ClinVar's aggregate classification.
Comment: Variant summary: PAH c.223G>C (p.Asp75His) results in a non-conservative amino acid change located in the ACT domain (IPR002912) of the encoded protein sequence. Four of five in-silico tools predict a damaging effect of the variant on protein function. The variant was absent in 251374 control chromosomes (gnomAD). c.223G>C has been reported in the literature in individuals affected with Hyperphenylalaninemia or Phenylketonuria (Liu_2017, Wang_2018, Wang_2021, Wang_2022). These data indicate that the variant is likely to be associated with disease. To our knowledge, no experimental evidence demonstrating an impact on protein function has been reported. The following publications have been ascertained in the context of this evaluation (PMID: 28982351, 29499199, 35085585, 33980295). ClinVar contains an entry for this variant (Variation ID: 987769). A ClinGen expert panel has classified the variant as likely pathogenic. Based on the evidence outlined above, the variant was classified as likely pathogenic.

Women's Health and Genetics/Laboratory Corporation of America, LabCorp
Classification: Likely pathogenic for Propionic acidemia. Last evaluated: 2024-03-15. Review status: criteria provided, single submitter. Criteria: LabCorp Variant Classification Summary - May 2015. Collection method: clinical testing. Allele origin: germline. Not counted in ClinVar's aggregate classification.
Comment: Variant summary: PCCA c.223G>C (p.Ala75Pro) results in a non-conservative amino acid change located in the N-terminal domain (IPR005481) of the encoded protein sequence. Five of five in-silico tools predict a damaging effect of the variant on protein function. The variant was absent in 250608 control chromosomes (gnomAD). The variant, c.223G>C (aka c.148G>C / A50P) has been reported in the literature in at least two compound heterozygous individuals who were affected with a milder form of Propionic Acidemia (Campeau_1999, Cappuccio_2016). These data indicate that the variant may be associated with disease. A publication reported experimental evidence evaluating an impact on protein function, and demonstrated decreased enzyme activity (likely as a result of increased degradation), with a relatively high residual activity (15-30%) in a PCCA-deficient fibroblast system (Clavero_2002). Two clinical diagnostic laboratories have submitted clinical-significance assessments for this variant to ClinVar after 2014 without evidence for independent evaluation. All laboratories classified the variant as uncertain significance. Based on the evidence outlined above, the variant was classified as VUS-possibly pathogenic.

Labcorp Genetics (formerly Invitae), Labcorp
Classification: Pathogenic for Phenylketonuria. Last evaluated: 2022-11-02. Review status: criteria provided, single submitter. Criteria: Invitae Variant Classification Sherloc (09022015). Collection method: clinical testing. Allele origin: germline. Not counted in ClinVar's aggregate classification.
Comment: This sequence change replaces aspartic acid, which is acidic and polar, with histidine, which is basic and polar, at codon 75 of the PAH protein (p.Asp75His). For these reasons, this variant has been classified as Pathogenic. This variant disrupts the p.Asp75 amino acid residue in PAH. Other variant(s) that disrupt this residue have been determined to be pathogenic (Invitae). This suggests that this residue is clinically significant, and that variants that disrupt this residue are likely to be disease-causing. Experimental studies have shown that this missense change affects PAH function (PMID: 29499199). Advanced modeling of protein sequence and biophysical properties (such as structural, functional, and spatial information, amino acid conservation, physicochemical variation, residue mobility, and thermodynamic stability) performed at Invitae indicates that this missense variant is not expected to disrupt PAH protein function. ClinVar contains an entry for this variant (Variation ID: 987769). This missense change has been observed in individual(s) with hyperphenylalaninemia (PMID: 28982351, 29499199). This variant is not present in population databases (gnomAD no frequency).

Literature cited by the submitters: PubMed 29499199 (cited by 3 submitters); PubMed 28982351 (cited by 3 submitters); PubMed 35085585 (cited by Women's Health and Genetics/Laboratory Corporation of America, LabCorp); PubMed 33980295 (cited by Women's Health and Genetics/Laboratory Corporation of America, LabCorp).